The following is an entry in ClinVar:

ClinVar aggregate classification (germline): Uncertain significance (1 of 4 stars; one submission).

Conditions:
Inborn genetic diseases. Identifiers: MedGen C0950123, MeSH D030342.

Submission:

Ambry Genetics
Classification: Uncertain significance for Inborn genetic diseases. Last evaluated: 2021-04-02. Review status: criteria provided, single submitter. Criteria: Ambry Variant Classification Scheme 2023. Collection method: clinical testing. Allele origin: germline.
Comment: The p.H3877P variant (also known as c.11630A>C), located in coding exon 62 of the DYNC1H1 gene, results from an A to C substitution at nucleotide position 11630. The histidine at codon 3877 is replaced by proline, an amino acid with similar properties. This amino acid position is highly conserved in available vertebrate species. In addition, this alteration is predicted to be deleterious by in silico analysis. Since supporting evidence is limited at this time, the clinical significance of this alteration remains unclear.

NM_001376.5(DYNC1H1):c.11630A>C (p.His3877Pro)

Gene: DYNC1H1 (dynein cytoplasmic 1 heavy chain 1; plus strand). Cytogenetic location: 14q32.31.
Variant type: single nucleotide variant.
Coding change: c.11630A>C on transcript NM_001376.5 (MANE Select); coding-DNA position 11630, A replaced by C.
Protein change: p.His3877Pro; replaces histidine 3877 with proline.
Molecular consequence: missense variant.
Genome position (GRCh38, 1-based): chr14:102,039,672, A>C. VCF-style: chr14-102039672-A-C. GRCh37 (hg19) VCF-style: chr14-102506009-A-C.
Other names: short protein forms H3877P.
Identifiers: ClinVar variation 1737360 (VCV001737360.2), dbSNP rs2503847320, ClinGen allele CA391035000.